The following is an entry in ClinVar:

ClinVar aggregate classification (germline): Uncertain significance. Review status: criteria provided, multiple submitters, no conflicts (2 of 4 stars). 3 submissions from 3 submitters: Uncertain significance (3). Last evaluated 2025-04-28.

Conditions:
Fanconi anemia (FA). Also called: Fanconi's anemia. Identifiers: Orphanet 84, MedGen C0015625, MeSH D005199, MONDO:0019391.
Inborn genetic diseases. Identifiers: MedGen C0950123, MeSH D030342.
Fanconi anemia complementation group P. Also called: SLX4-Related Fanconi Anemia. Identifiers: Orphanet 84, MedGen C3469542, MONDO:0013499, OMIM 613951.

gnomAD v4.1: 65 of 1,612,130 alleles (0.004%); highest among the groups gnomAD compares: South Asian, 0.0055%; no homozygotes.

Submissions (3):

Ambry Genetics
Classification: Uncertain significance for Inborn genetic diseases. Last evaluated: 2025-04-28. Review status: criteria provided, single submitter. Criteria: Ambry Variant Classification Scheme 2023. Collection method: clinical testing. Allele origin: germline.

Labcorp Genetics (formerly Invitae), Labcorp
Classification: Uncertain significance for Fanconi anemia. Last evaluated: 2022-06-20. Review status: criteria provided, single submitter. Criteria: Invitae Variant Classification Sherloc (09022015). Collection method: clinical testing. Allele origin: germline.
Comment: In summary, the available evidence is currently insufficient to determine the role of this variant in disease. Therefore, it has been classified as a Variant of Uncertain Significance. Algorithms developed to predict the effect of missense changes on protein structure and function are either unavailable or do not agree on the potential impact of this missense change (SIFT: "Deleterious"; PolyPhen-2: "Probably Damaging"; Align-GVGD: "Class C15"). This variant has not been reported in the literature in individuals affected with SLX4-related conditions. This variant is present in population databases (rs202189103, gnomAD 0.01%). This sequence change replaces glycine, which is neutral and non-polar, with arginine, which is basic and polar, at codon 732 of the SLX4 protein (p.Gly732Arg).

Fulgent Genetics
Classification: Uncertain significance for Fanconi anemia complementation group P. Last evaluated: 2021-11-10. Review status: criteria provided, single submitter. Criteria: ACMG Guidelines, 2015. Collection method: clinical testing. Allele origin: unknown.

NM_032444.4(SLX4):c.2194G>A (p.Gly732Arg)

Gene: SLX4 (SLX4 structure-specific endonuclease subunit; minus strand). Cytogenetic location: 16p13.3.
Variant type: single nucleotide variant.
Coding change: c.2194G>A on transcript NM_032444.4 (MANE Select); coding-DNA position 2194, G replaced by A.
Protein change: p.Gly732Arg; replaces glycine 732 with arginine.
Molecular consequence: missense variant.
Genome position (GRCh38, 1-based): chr16:3,592,832, C>T on the plus strand (G>A on the coding strand, the complement: SLX4 is on the minus strand). VCF-style: chr16-3592832-C-T. GRCh37 (hg19) VCF-style: chr16-3642833-C-T.
Other names: c.2194G>A (NM_032444.2); short protein forms G732R.
Identifiers: ClinVar variation 1346474 (VCV001346474.8), dbSNP rs202189103, ClinGen allele CA7866235.
Genomic context (GRCh38, chr16:3,592,832, plus strand): 5'-GGAACGTGCGGGCGGCCTCGGTGCTCACGTCACCCAGCAGGACACGCTGGGTCAGAACCC[C>T]GTCCTCTACAGCGGAGAAGCCTTCATTGTTCACCTGCAGGTGAAATGCAACACAGAGGGT-3'
Protein context (NP_115820.2, residues 722-742): NNEGFSAVED[Gly732Arg]VLTQRVLLGD